The following is an entry in ClinVar:

ClinVar aggregate classification (germline): Uncertain significance (1 of 4 stars; one submission).

Conditions:
Hereditary nonpolyposis colorectal neoplasms. Identifiers: MedGen C0009405, MeSH D003123.

Submission:

Labcorp Genetics (formerly Invitae), Labcorp
Classification: Uncertain significance for Hereditary nonpolyposis colorectal neoplasms. Last evaluated: 2025-10-06. Review status: criteria provided, single submitter. Criteria: Invitae Variant Classification Sherloc (09022015). Collection method: clinical testing. Allele origin: germline.
Comment: This sequence change replaces histidine, which is basic and polar, with leucine, which is neutral and non-polar, at codon 88 of the PMS2 protein (p.His88Leu). This variant is not present in population databases (gnomAD no frequency). This variant has not been reported in the literature in individuals affected with PMS2-related conditions. Invitae Evidence Modeling incorporating data from in vitro experimental studies (internal data) indicates that this missense variant is not expected to disrupt PMS2 function with a negative predictive value of 95%. In summary, the available evidence is currently insufficient to determine the role of this variant in disease. Therefore, it has been classified as a Variant of Uncertain Significance.

NM_000535.7(PMS2):c.263A>T (p.His88Leu)

Gene: PMS2 (PMS1 homolog 2, mismatch repair system component; minus strand). Cytogenetic location: 7p22.1.
Variant type: single nucleotide variant.
Coding change: c.263A>T on transcript NM_000535.7 (MANE Select); coding-DNA position 263, A replaced by T.
Protein change: p.His88Leu; replaces histidine 88 with leucine.
Molecular consequence: missense variant. On other transcripts: 5 prime UTR variant (35), non-coding transcript variant (1), intron variant (11).
Genome position (GRCh38, 1-based): chr7:6,003,780, T>A on the plus strand (A>T on the coding strand, the complement: PMS2 is on the minus strand). VCF-style: chr7-6003780-T-A. GRCh37 (hg19) VCF-style: chr7-6043411-T-A.
Other names: c.-143A>T (NM_001322003.2, NM_001322004.2, NM_001322005.2 and 13 more transcripts); c.263A>T, p.His88Leu (NM_001322006.2, NM_001322014.2, NM_001406869.1 and 8 more transcripts); c.-622A>T (NM_001322011.2, NM_001322012.2); c.-222A>T (NM_001322015.2, NM_001406875.1, NM_001406877.1 and 3 more transcripts); c.449A>T, p.His150Leu (NM_001406866.1); c.287A>T, p.His96Leu (NM_001406868.1); c.-169A>T (NM_001406880.1); c.-90A>T (NM_001406888.1, NM_001406889.1, NM_001406892.1 and 6 more transcripts); and 5 more; short protein forms H150L, H96L, H88L.
Identifiers: ClinVar variation 4711225 (VCV004711225.1).